The following is an entry in ClinVar:

ClinVar aggregate classification (germline): Uncertain significance. Review status: criteria provided, multiple submitters, no conflicts (2 of 4 stars). 2 submissions from 2 submitters: Uncertain significance (2). Last evaluated 2024-11-18.

Conditions:
Charcot-Marie-Tooth disease axonal type 2O. Also called: CHARCOT-MARIE-TOOTH NEUROPATHY, AXONAL, TYPE 2O; CHARCOT-MARIE-TOOTH DISEASE, AXONAL, AUTOSOMAL DOMINANT, TYPE 2O; Charcot-Marie-Tooth disease, axonal, type 20; Charcot-Marie-Tooth Neuropathy Type 2O. Identifiers: Orphanet 284232, MedGen C3280220, MONDO:0013644, OMIM 614228.

Submissions (2):

Labcorp Genetics (formerly Invitae), Labcorp
Classification: Uncertain significance for Charcot-Marie-Tooth disease axonal type 2O. Last evaluated: 2024-11-18. Review status: criteria provided, single submitter. Criteria: Invitae Variant Classification Sherloc (09022015). Collection method: clinical testing. Allele origin: germline.
Comment: This sequence change replaces leucine, which is neutral and non-polar, with proline, which is neutral and non-polar, at codon 781 of the DYNC1H1 protein (p.Leu781Pro). This variant is not present in population databases (gnomAD no frequency). This variant has not been reported in the literature in individuals affected with DYNC1H1-related conditions. ClinVar contains an entry for this variant (Variation ID: 2498012). Invitae Evidence Modeling of protein sequence and biophysical properties (such as structural, functional, and spatial information, amino acid conservation, physicochemical variation, residue mobility, and thermodynamic stability) indicates that this missense variant is expected to disrupt DYNC1H1 protein function with a positive predictive value of 95%. In summary, the available evidence is currently insufficient to determine the role of this variant in disease. Therefore, it has been classified as a Variant of Uncertain Significance.

GeneDx
Classification: Uncertain significance. Last evaluated: 2022-10-04. Review status: criteria provided, single submitter. Criteria: GeneDx Variant Classification Process June 2021. Collection method: clinical testing. Allele origin: germline. Affected: yes.
Comment: Not observed at significant frequency in large population cohorts (gnomAD); In silico analysis supports that this missense variant has a deleterious effect on protein structure/function; Has not been previously published as pathogenic or benign to our knowledge; This variant is associated with the following publications: (PMID: 26100331, 25609763, 25512093)

NM_001376.5(DYNC1H1):c.2342T>C (p.Leu781Pro)

Gene: DYNC1H1 (dynein cytoplasmic 1 heavy chain 1; plus strand). Cytogenetic location: 14q32.31.
Variant type: single nucleotide variant.
Coding change: c.2342T>C on transcript NM_001376.5 (MANE Select); coding-DNA position 2342, T replaced by C.
Protein change: p.Leu781Pro; replaces leucine 781 with proline.
Molecular consequence: missense variant.
Genome position (GRCh38, 1-based): chr14:101,986,567, T>C. VCF-style: chr14-101986567-T-C. GRCh37 (hg19) VCF-style: chr14-102452904-T-C.
Other names: short protein forms L781P.
Identifiers: ClinVar variation 2498012 (VCV002498012.3), dbSNP rs2503696049, ClinGen allele CA391023082.
Genomic context (GRCh38, chr14:101,986,567, plus strand): 5'-CACTGGCGATTGTGAACAAAGCCCATCAAGCAAACCAGCTTTACCCGTTTGCCATCTCAC[T>C]GATCGAGAGCGTTCGTACCTATGAACGGACCTGCGAGAAGGTGGAGGAGCGGAACACCAT-3'
Protein context (NP_001367.2, residues 771-791): ANQLYPFAIS[Leu781Pro]IESVRTYERT